The following is an entry in ClinVar:

ClinVar aggregate classification (germline): Uncertain significance (1 of 4 stars; one submission).

Submission:

Ambry Genetics
Classification: Uncertain significance. Last evaluated: 2026-08-12. Review status: criteria provided, single submitter. Criteria: Ambry Variant Classification Scheme 2023. Collection method: clinical testing. Allele origin: germline.
Comment: The p.P851A variant (also known as c.2551C>G), located in coding exon 1 of the TET2 gene, results from a C to G substitution at nucleotide position 2551. The proline at codon 851 is replaced by alanine, an amino acid with highly similar properties. This amino acid position is conserved. In addition, this alteration is predicted to be tolerated by in silico analysis. Based on the available evidence, the clinical significance of this variant remains unclear.

NM_001127208.3(TET2):c.2551C>G (p.Pro851Ala)

Genes: TET2 (tet methylcytosine dioxygenase 2; plus strand), TET2-AS1 (TET2 antisense RNA 1; minus strand). Cytogenetic location: 4q24.
Variant type: single nucleotide variant.
Coding change: c.2551C>G on transcript NM_001127208.3 (MANE Select); coding-DNA position 2551, C replaced by G.
Protein change: p.Pro851Ala; replaces proline 851 with alanine.
Molecular consequence: missense variant.
Genome position (GRCh38, 1-based): chr4:105,236,493, C>G. VCF-style: chr4-105236493-C-G. GRCh37 (hg19) VCF-style: chr4-106157650-C-G.
Other names: c.2551C>G, p.Pro851Ala (NM_017628.4); short protein forms P851A.
Identifiers: ClinVar variation 5030748 (VCV005030748.1).